The following is an entry in ClinVar:

NM_020442.6(VARS2):c.1787C>T (p.Ala596Val)

Genes: VARS2 (valyl-tRNA synthetase 2, mitochondrial; plus strand), LOC126859646 (MED14-independent group 3 enhancer GRCh37_chr6:30889690-30890889; plus strand). Cytogenetic location: 6p21.33.
Variant type: single nucleotide variant.
Coding change: c.1787C>T on transcript NM_020442.6 (MANE Select); coding-DNA position 1787, C replaced by T.
Protein change: p.Ala596Val; replaces alanine 596 with valine.
Molecular consequence: missense variant.
Genome position (GRCh38, 1-based): chr6:30,921,976, C>T. VCF-style: chr6-30921976-C-T. GRCh37 (hg19) VCF-style: chr6-30889753-C-T.
Other names: p.Ala626Val; c.1367C>T, p.Ala456Val (NM_001167733.3); c.1877C>T, p.Ala626Val (NM_001167734.2); short protein forms A456V, A596V, A626V.
Identifiers: ClinVar variation 3379638 (VCV003379638.2).
Genomic context (GRCh38, chr6:30,921,976, plus strand): 5'-GTTTCCCAGATCCTGATGTCCTAGACACATGGTTTTCTTCTGCCCTGTTCCCCTTTTCTG[C>T]CCTGGGCTGGCCCCAAGAGGTGAGGTGGGTTGAGAGGGCGAAAGTGAAGGGGAAACGATA-3'
Protein context (NP_065175.4, residues 586-606): WFSSALFPFS[Ala596Val]LGWPQETPDL

ClinVar aggregate classification (germline): Conflicting classifications of pathogenicity. Review status: criteria provided, conflicting classifications (1 of 4 stars). 2 submissions from 2 submitters: Uncertain significance (1); Likely benign (1). Last evaluated 2024-09-17.

Conditions:
Inborn genetic diseases. Identifiers: MedGen C0950123, MeSH D030342.

gnomAD v4.1: 3 of 1,612,992 alleles (0.00019%); highest among the groups gnomAD compares: Non-Finnish European, 0.00025%; no homozygotes.

Submissions (2):

Ambry Genetics
Classification: Likely benign for Inborn genetic diseases. Last evaluated: 2024-09-17. Review status: criteria provided, single submitter. Criteria: Ambry Variant Classification Scheme 2023. Collection method: clinical testing. Allele origin: germline.

Mayo Clinic Laboratories, Mayo Clinic
Classification: Uncertain significance. Last evaluated: 2024-05-31. Review status: criteria provided, single submitter. Criteria: ACMG Guidelines, 2015. Collection method: clinical testing. Allele origin: germline. Observed: 1 variant allele.
Comment: BP4